The following is an entry in ClinVar:

ClinVar aggregate classification (germline): Uncertain significance (1 of 4 stars; one submission).

Conditions:
Gastrointestinal stromal tumor. Also called: Gastrointestinal stroma tumor; Gastrointestinal stromal tumor, somatic. Identifiers: Orphanet 44890, MedGen C0238198, MeSH D046152, MONDO:0011719, OMIM 606764, HP:0100723.

Submission:

Labcorp Genetics (formerly Invitae), Labcorp
Classification: Uncertain significance for Gastrointestinal stromal tumor. Last evaluated: 2022-02-10. Review status: criteria provided, single submitter. Criteria: Invitae Variant Classification Sherloc (09022015). Collection method: clinical testing. Allele origin: germline.
Comment: In summary, the available evidence is currently insufficient to determine the role of this variant in disease. Therefore, it has been classified as a Variant of Uncertain Significance. Algorithms developed to predict the effect of missense changes on protein structure and function are either unavailable or do not agree on the potential impact of this missense change (SIFT: "Deleterious"; PolyPhen-2: "Possibly Damaging"; Align-GVGD: "Class C15"). This variant has not been reported in the literature in individuals affected with PDGFRA-related conditions. This variant is not present in population databases (gnomAD no frequency). This sequence change replaces serine, which is neutral and polar, with leucine, which is neutral and non-polar, at codon 760 of the PDGFRA protein (p.Ser760Leu).

NM_006206.6(PDGFRA):c.2279C>T (p.Ser760Leu)

Gene: PDGFRA (platelet derived growth factor receptor alpha; plus strand). Cytogenetic location: 4q12.
Variant type: single nucleotide variant.
Coding change: c.2279C>T on transcript NM_006206.6 (MANE Select); coding-DNA position 2279, C replaced by T.
Protein change: p.Ser760Leu; replaces serine 760 with leucine.
Molecular consequence: missense variant.
Genome position (GRCh38, 1-based): chr4:54,280,438, C>T. VCF-style: chr4-54280438-C-T. GRCh37 (hg19) VCF-style: chr4-55146605-C-T.
Other names: c.2279C>T, p.Ser760Leu (NM_001347827.2, NM_001347829.2); c.2354C>T, p.Ser785Leu (NM_001347828.2); c.2318C>T, p.Ser773Leu (NM_001347830.2); short protein forms S760L, S785L, S773L.
Identifiers: ClinVar variation 2095852 (VCV002095852.4), dbSNP rs2110324640, ClinGen allele CA356894468.
Genomic context (GRCh38, chr4:54,280,438, plus strand): 5'-CACAGTATGTCCCCATGCTAGAAAGGAAAGAGGTTTCTAAATATTCCGACATCCAGAGAT[C>T]ACTCTATGATCGTCCAGCCTCATATAAGAAGAAATCTATGTTAGGTAAAAGTGTCTATAC-3'
Protein context (NP_006197.1, residues 750-770): EVSKYSDIQR[Ser760Leu]LYDRPASYKK